The following is an entry in ClinVar:

NM_025103.4(IFT74):c.202G>T (p.Ala68Ser)

Gene: IFT74 (intraflagellar transport 74; plus strand). Cytogenetic location: 9p21.2.
Variant type: single nucleotide variant.
Coding change: c.202G>T on transcript NM_025103.4 (MANE Select); coding-DNA position 202, G replaced by T.
Protein change: p.Ala68Ser; replaces alanine 68 with serine.
Molecular consequence: missense variant.
Genome position (GRCh38, 1-based): chr9:26,978,209, G>T. VCF-style: chr9-26978209-G-T. GRCh37 (hg19) VCF-style: chr9-26978207-G-T.
Other names: c.202G>T, p.Ala68Ser (NM_001099222.3, NM_001099223.3, NM_001099224.3 and 1 more transcripts); short protein forms A68S.
Identifiers: ClinVar variation 2069790 (VCV002069790.4), dbSNP rs757910179, ClinGen allele CA373124031.

ClinVar aggregate classification (germline): Uncertain significance (1 of 4 stars; one submission).

Submission:

Labcorp Genetics (formerly Invitae), Labcorp
Classification: Uncertain significance. Last evaluated: 2022-07-18. Review status: criteria provided, single submitter. Criteria: Invitae Variant Classification Sherloc (09022015). Collection method: clinical testing. Allele origin: germline.
Comment: Algorithms developed to predict the effect of missense changes on protein structure and function (SIFT, PolyPhen-2, Align-GVGD) all suggest that this variant is likely to be tolerated. In summary, the available evidence is currently insufficient to determine the role of this variant in disease. Therefore, it has been classified as a Variant of Uncertain Significance. This variant has not been reported in the literature in individuals affected with IFT74-related conditions. This variant is not present in population databases (gnomAD no frequency). This sequence change replaces alanine, which is neutral and non-polar, with serine, which is neutral and polar, at codon 68 of the IFT74 protein (p.Ala68Ser).